The following is an entry in ClinVar:

NM_001082971.2(DDC):c.128del (p.Pro43fs)

Gene: DDC (dopa decarboxylase; minus strand). Cytogenetic location: 7p12.1.
Variant type: Deletion.
Coding change: c.128del on transcript NM_001082971.2 (MANE Select); coding-DNA position 128, one base deleted (C; older notation c.128delC).
Protein change: p.Pro43fs; shifts the reading frame from proline 43.
Molecular consequence: frameshift variant.
Genome position (GRCh38, 1-based): chr7:50,543,958, G deleted on the plus strand (C on the coding strand, the reverse complement: DDC is on the minus strand); the first of 3 consecutive G bases (chr7:50,543,958-50,543,960); deleting any one gives the same sequence. VCF-style (leftmost placement, unchanged base first): chr7-50543957-AG-A. GRCh37 (hg19) VCF-style: chr7-50611655-AG-A.
Other names: c.128del, p.Pro43fs (NM_000790.4, NM_001242886.2, NM_001242887.2 and 3 more transcripts); c.128delC (NM_000790.3); short protein forms P43fs.
Identifiers: ClinVar variation 2136539 (VCV002136539.13), dbSNP rs779932163, ClinGen allele CA4262492.

ClinVar aggregate classification (germline): Pathogenic/Likely pathogenic. Review status: criteria provided, multiple submitters, no conflicts (2 of 4 stars). 5 submissions from 5 submitters: Pathogenic (3); Likely pathogenic (2). Last evaluated 2025-12-01.

Conditions:
Deficiency of aromatic-L-amino-acid decarboxylase. Also called: Aromatic L-Amino Acid Decarboxylase Deficiency; Aromatic amino acid decarboxylase deficiency; AADC DEFICIENCY; DDC DEFICIENCY; DOPA DECARBOXYLASE DEFICIENCY. Identifiers: Orphanet 35708, MedGen C1291564, MONDO:0012084, OMIM 608643.
Inborn genetic diseases. Identifiers: MedGen C0950123, MeSH D030342.

Submissions (5):

CeGaT Center for Human Genetics Tuebingen
Classification: Pathogenic. Last evaluated: 2025-12-01. Review status: criteria provided, single submitter. Criteria: CeGaT Center For Human Genetics Tuebingen Variant Classification Criteria Version 2. Collection method: clinical testing. Allele origin: germline. Affected: yes. Observed: 1 variant allele.
Comment: DDC: PVS1, PM2, PM3

Labcorp Genetics (formerly Invitae), Labcorp
Classification: Pathogenic for Deficiency of aromatic-L-amino-acid decarboxylase. Last evaluated: 2025-11-10. Review status: criteria provided, single submitter. Criteria: Invitae Variant Classification Sherloc (09022015). Collection method: clinical testing. Allele origin: germline.
Comment: This sequence change creates a premature translational stop signal (p.Pro43Leufs*21) in the DDC gene. It is expected to result in an absent or disrupted protein product. Loss-of-function variants in DDC are known to be pathogenic (PMID: 15079002, 24788355). This variant is present in population databases (rs779932163, gnomAD 0.05%). This premature translational stop signal has been observed in individual(s) with aromatic L-amino acid decarboxylase deficiency (PMID: 15079002). This variant is also known as delC209-211. ClinVar contains an entry for this variant (Variation ID: 2136539). For these reasons, this variant has been classified as Pathogenic.

Fulgent Genetics
Classification: Likely pathogenic for Deficiency of aromatic-L-amino-acid decarboxylase. Last evaluated: 2024-03-14. Review status: criteria provided, single submitter. Criteria: ACMG Guidelines, 2015. Collection method: clinical testing. Allele origin: germline.

Ambry Genetics
Classification: Pathogenic for Inborn genetic diseases. Last evaluated: 2021-08-18. Review status: criteria provided, single submitter. Criteria: Ambry Variant Classification Scheme 2023. Collection method: clinical testing. Allele origin: germline.
Comment: The c.128delC (p.P43Lfs*21) alteration, located in exon 2 (coding exon 1) of the DDC gene, consists of a deletion of one nucleotide at position 128, causing a translational frameshift with a predicted alternate stop codon after 21 amino acids. This alteration is expected to result in loss of function by premature protein truncation or nonsense-mediated mRNA decay. This mutation has been detected in two samples submitted for DDC sequence analysis in conjunction with a missense variant (Hyland, 2020). Based on the available evidence, this alteration is classified as pathogenic.

Department of Pathology and Laboratory Medicine, Sinai Health System
Classification: Likely pathogenic for Deficiency of aromatic-L-amino-acid decarboxylase. Last evaluated: 2021-07-30. Review status: criteria provided, single submitter. Criteria: ACMG Guidelines, 2015. Collection method: research. Allele origin: germline.

Literature cited by the submitters: PubMed 15079002 (cited by Labcorp Genetics (formerly Invitae), Labcorp and Ambry Genetics); PubMed 24788355 (cited by Labcorp Genetics (formerly Invitae), Labcorp); PubMed 32111562 (cited by Ambry Genetics).